The following is an entry in ClinVar:

ClinVar aggregate classification (germline): Uncertain significance (1 of 4 stars; one submission).

Conditions:
POLD1-related polyposis and colorectal cancer syndrome (CRCS10). Also called: Colorectal cancer 10; COLORECTAL CANCER, SUSCEPTIBILITY TO, ON CHROMOSOME 19q; Colorectal cancer, susceptibility to, 10. Identifiers: Orphanet 220460, MedGen C2675481, MONDO:0012953, OMIM 612591.

gnomAD v4.1: 2 of 1,613,330 alleles (0.00012%); highest among the groups gnomAD compares: Non-Finnish European, 0.00017%; no homozygotes.

Submission:

Labcorp Genetics (formerly Invitae), Labcorp
Classification: Uncertain significance for POLD1-related polyposis and colorectal cancer syndrome. Last evaluated: 2025-09-05. Review status: criteria provided, single submitter. Criteria: Invitae Variant Classification Sherloc (09022015). Collection method: clinical testing. Allele origin: germline.
Comment: This sequence change replaces valine, which is neutral and non-polar, with leucine, which is neutral and non-polar, at codon 695 of the POLD1 protein (p.Val695Leu). This variant is not present in population databases (gnomAD no frequency). This variant has not been reported in the literature in individuals affected with POLD1-related conditions. ClinVar contains an entry for this variant (Variation ID: 1437766). Invitae Evidence Modeling of protein sequence and biophysical properties (such as structural, functional, and spatial information, amino acid conservation, physicochemical variation, residue mobility, and thermodynamic stability) indicates that this missense variant is not expected to disrupt POLD1 protein function with a negative predictive value of 80%. Algorithms developed to predict the effect of sequence changes on RNA splicing suggest that this variant may create or strengthen a splice site. In summary, the available evidence is currently insufficient to determine the role of this variant in disease. Therefore, it has been classified as a Variant of Uncertain Significance.

NM_002691.4(POLD1):c.2083G>T (p.Val695Leu)

Gene: POLD1 (DNA polymerase delta 1, catalytic subunit; plus strand). Cytogenetic location: 19q13.33.
Variant type: single nucleotide variant.
Coding change: c.2083G>T on transcript NM_002691.4 (MANE Select); coding-DNA position 2083, G replaced by T.
Protein change: p.Val695Leu; replaces valine 695 with leucine.
Molecular consequence: missense variant. On other transcripts: non-coding transcript variant (1).
Genome position (GRCh38, 1-based): chr19:50,409,595, G>T. VCF-style: chr19-50409595-G-T. GRCh37 (hg19) VCF-style: chr19-50912852-G-T.
Other names: c.2083G>T, p.Val695Leu (NM_001256849.1); c.2161G>T, p.Val721Leu (NM_001308632.1); short protein forms V695L, V721L.
Identifiers: ClinVar variation 1437766 (VCV001437766.6), dbSNP rs1051419059, ClinGen allele CA406982585.